The following is an entry in ClinVar:

NM_001903.5(CTNNA1):c.611G>C (p.Arg204Pro)

Gene: CTNNA1 (catenin alpha 1; plus strand). Cytogenetic location: 5q31.2.
Variant type: single nucleotide variant.
Coding change: c.611G>C on transcript NM_001903.5 (MANE Select); coding-DNA position 611, G replaced by C.
Protein change: p.Arg204Pro; replaces arginine 204 with proline.
Molecular consequence: missense variant.
Genome position (GRCh38, 1-based): chr5:138,824,552, G>C. VCF-style: chr5-138824552-G-C. GRCh37 (hg19) VCF-style: chr5-138160241-G-C.
Other names: c.611G>C, p.Arg204Pro (NM_001290307.3, NM_001323982.2, NM_001323983.1 and 3 more transcripts); c.302G>C, p.Arg101Pro (NM_001290309.3); c.242G>C, p.Arg81Pro (NM_001290310.3); short protein forms R204P, R81P, R101P.
Identifiers: ClinVar variation 4235650 (VCV004235650.1).

ClinVar aggregate classification (germline): Uncertain significance (1 of 4 stars; one submission).

Conditions:
Hereditary cancer-predisposing syndrome. Also called: Hereditary Cancer Syndrome; Hereditary neoplastic syndrome; Neoplastic Syndromes, Hereditary; Tumor predisposition. Identifiers: Orphanet 140162, MedGen C0027672, MeSH D009386, MONDO:0015356.

Submission:

Ambry Genetics
Classification: Uncertain significance for Hereditary cancer-predisposing syndrome. Last evaluated: 2025-08-14. Review status: criteria provided, single submitter. Criteria: Ambry Variant Classification Scheme 2023. Collection method: clinical testing. Allele origin: germline.
Comment: The p.R204P variant (also known as c.611G>C), located in coding exon 5 of the CTNNA1 gene, results from a G to C substitution at nucleotide position 611. The arginine at codon 204 is replaced by proline, an amino acid with dissimilar properties. This amino acid position is conserved. In addition, the in silico prediction for this alteration is inconclusive. Based on the available evidence, the clinical significance of this variant remains unclear.